The following is an entry in ClinVar:

NM_000135.4(FANCA):c.3627-5C>G

Gene: FANCA (FA complementation group A; minus strand). Cytogenetic location: 16q24.3.
Variant type: single nucleotide variant.
Coding change: c.3627-5C>G on transcript NM_000135.4 (MANE Select); 5 bases into the intron before coding-DNA position 3627, C replaced by G.
Molecular consequence: intron variant.
Genome position (GRCh38, 1-based): chr16:89,742,943, G>C on the plus strand (C>G on the coding strand, the complement: FANCA is on the minus strand). VCF-style: chr16-89742943-G-C. GRCh37 (hg19) VCF-style: chr16-89809351-G-C.
Other names: c.3627-5C>G (NM_001286167.3, NM_000135.3).
Identifiers: ClinVar variation 1582350 (VCV001582350.9), dbSNP rs1417894512, ClinGen allele CA980431203.

ClinVar aggregate classification (germline): Conflicting classifications of pathogenicity. Review status: criteria provided, conflicting classifications (1 of 4 stars). 2 submissions from 2 submitters: Uncertain significance (1); Likely benign (1). Last evaluated 2025-03-28.

Conditions:
Fanconi anemia (FA). Also called: Fanconi's anemia. Identifiers: Orphanet 84, MedGen C0015625, MeSH D005199, MONDO:0019391.

Allele frequency attached by ClinVar (database versions not stated): gnomAD 0.00001.
gnomAD v4.1: 1 of 1,613,528 alleles (0.000062%); highest among the groups gnomAD compares: African/African-American, 0.0013%; no homozygotes.

Submissions (2):

Quest Diagnostics Nichols Institute San Juan Capistrano
Classification: Uncertain significance. Last evaluated: 2025-03-28. Review status: criteria provided, single submitter. Criteria: Quest Diagnostics criteria. Collection method: clinical testing. Allele origin: unknown.
Comment: The FANCA c.3627-5C>G variant has not been reported in individuals with FANCA-related conditions in the published literature. The frequency of this variant in the general population (Genome Aggregation Database) is uninformative in the assessment of its pathogenicity. Analysis of this variant using software algorithms for the prediction of the effect of nucleotide changes on FANCA mRNA splicing yielded inconclusive findings. Based on the available information, we are unable to determine the clinical significance of this variant.

Labcorp Genetics (formerly Invitae), Labcorp
Classification: Likely benign for Fanconi anemia. Last evaluated: 2020-11-11. Review status: criteria provided, single submitter. Criteria: Invitae Variant Classification Sherloc (09022015). Collection method: clinical testing. Allele origin: germline.